The following is an entry in ClinVar:

ClinVar aggregate classification (germline): Likely pathogenic (1 of 4 stars; one submission).

Conditions:
HUWE1-related disorder. Also called: HUWE1-related condition.

Submission:

PreventionGenetics, part of Exact Sciences
Classification: Likely pathogenic for HUWE1-related condition. Last evaluated: 2023-04-17. Review status: criteria provided, single submitter. Criteria: ACMG Guidelines, 2015. Collection method: clinical testing. Allele origin: germline.
Comment: The HUWE1 c.1129C>T variant is predicted to result in the amino acid substitution p.Pro377Ser. To our knowledge, this variant has not been reported in the literature or in a large population database, indicating this variant is rare. This variant is interpreted as likely pathogenic.

NM_031407.7(HUWE1):c.1129C>T (p.Pro377Ser)

Gene: HUWE1 (HECT, UBA and WWE domain containing E3 ubiquitin protein ligase 1; minus strand). Cytogenetic location: Xp11.22.
Variant type: single nucleotide variant.
Coding change: c.1129C>T on transcript NM_031407.7 (MANE Select); coding-DNA position 1129, C replaced by T.
Protein change: p.Pro377Ser; replaces proline 377 with serine.
Molecular consequence: missense variant.
Genome position (GRCh38, 1-based): chrX:53,628,606, G>A on the plus strand (C>T on the coding strand, the complement: HUWE1 is on the minus strand). VCF-style: chrX-53628606-G-A. GRCh37 (hg19) VCF-style: chrX-53655557-G-A.
Other names: short protein forms P377S.
Identifiers: ClinVar variation 2633761 (VCV002633761.1), dbSNP rs2528040592, ClinGen allele CA413156797.